The following is an entry in ClinVar:

NM_002336.3(LRP6):c.1096G>T (p.Asp366Tyr)

Gene: LRP6 (LDL receptor related protein 6; minus strand). Cytogenetic location: 12p13.2.
Variant type: single nucleotide variant.
Coding change: c.1096G>T on transcript NM_002336.3 (MANE Select); coding-DNA position 1096, G replaced by T.
Protein change: p.Asp366Tyr; replaces aspartic acid 366 with tyrosine.
Molecular consequence: missense variant. On other transcripts: non-coding transcript variant (1).
Genome position (GRCh38, 1-based): chr12:12,181,320, C>A on the plus strand (G>T on the coding strand, the complement: LRP6 is on the minus strand). VCF-style: chr12-12181320-C-A. GRCh37 (hg19) VCF-style: chr12-12334254-C-A.
Other names: c.1096G>T, p.Asp366Tyr (NM_001414244.1, NM_001414245.1, NM_001414246.1 and 5 more transcripts); c.898G>T, p.Asp300Tyr (NM_001414247.1); c.643G>T, p.Asp215Tyr (NM_001414252.1, NM_001414253.1, NM_001414254.1); short protein forms D366Y, D215Y, D300Y.
Identifiers: ClinVar variation 3666779 (VCV003666779.2).

ClinVar aggregate classification (germline): Uncertain significance (1 of 4 stars; one submission).

gnomAD v4.1: 1 of 1,614,142 alleles (0.000062%); highest among the groups gnomAD compares: African/African-American, 0.0013%; no homozygotes.

Submission:

Labcorp Genetics (formerly Invitae), Labcorp
Classification: Uncertain significance. Last evaluated: 2024-10-25. Review status: criteria provided, single submitter. Criteria: Invitae Variant Classification Sherloc (09022015). Collection method: clinical testing. Allele origin: germline.
Comment: This sequence change replaces aspartic acid, which is acidic and polar, with tyrosine, which is neutral and polar, at codon 366 of the LRP6 protein (p.Asp366Tyr). This variant is present in population databases (no rsID available, gnomAD 0.007%). This variant has not been reported in the literature in individuals affected with LRP6-related conditions. Invitae Evidence Modeling of protein sequence and biophysical properties (such as structural, functional, and spatial information, amino acid conservation, physicochemical variation, residue mobility, and thermodynamic stability) indicates that this missense variant is expected to disrupt LRP6 protein function with a positive predictive value of 80%. In summary, the available evidence is currently insufficient to determine the role of this variant in disease. Therefore, it has been classified as a Variant of Uncertain Significance.